The following is an entry in ClinVar:

ClinVar aggregate classification (germline): Uncertain significance. Review status: criteria provided, multiple submitters, no conflicts (2 of 4 stars). 2 submissions from 2 submitters: Uncertain significance (2). Last evaluated 2025-10-24.

Conditions:
Cardiovascular phenotype. Identifiers: MedGen CN230736.

Allele frequency attached by ClinVar (database versions not stated): gnomAD exomes 0.00001; ExAC 0.00001; gnomAD 0.00001.
gnomAD v4.1: 11 of 1,613,940 alleles (0.00068%); highest among the groups gnomAD compares: East Asian, 0.0045%; 1 homozygote.

Submissions (2):

Ambry Genetics
Classification: Uncertain significance for Cardiovascular phenotype. Last evaluated: 2025-10-24. Review status: criteria provided, single submitter. Criteria: Ambry Variant Classification Scheme 2023. Collection method: clinical testing. Allele origin: germline.

Labcorp Genetics (formerly Invitae), Labcorp
Classification: Uncertain significance. Last evaluated: 2022-05-17. Review status: criteria provided, single submitter. Criteria: Invitae Variant Classification Sherloc (09022015). Collection method: clinical testing. Allele origin: germline.
Comment: This sequence change replaces arginine, which is basic and polar, with tryptophan, which is neutral and slightly polar, at codon 634 of the ABCA1 protein (p.Arg634Trp). In summary, the available evidence is currently insufficient to determine the role of this variant in disease. Therefore, it has been classified as a Variant of Uncertain Significance. Advanced modeling of protein sequence and biophysical properties (such as structural, functional, and spatial information, amino acid conservation, physicochemical variation, residue mobility, and thermodynamic stability) performed at Invitae indicates that this missense variant is not expected to disrupt ABCA1 protein function. This variant has not been reported in the literature in individuals affected with ABCA1-related conditions. This variant is present in population databases (rs766136483, gnomAD 0.003%).

NM_005502.4(ABCA1):c.1900C>T (p.Arg634Trp)

Gene: ABCA1 (ATP binding cassette subfamily A member 1; minus strand). Cytogenetic location: 9q31.1.
Variant type: single nucleotide variant.
Coding change: c.1900C>T on transcript NM_005502.4 (MANE Select); coding-DNA position 1900, C replaced by T.
Protein change: p.Arg634Trp; replaces arginine 634 with tryptophan.
Molecular consequence: missense variant.
Genome position (GRCh38, 1-based): chr9:104,829,131, G>A on the plus strand (C>T on the coding strand, the complement: ABCA1 is on the minus strand). VCF-style: chr9-104829131-G-A. GRCh37 (hg19) VCF-style: chr9-107591412-G-A.
Other names: c.1900C>T (NM_005502.3); short protein forms R634W.
Identifiers: ClinVar variation 1518458 (VCV001518458.6), dbSNP rs766136483, ClinGen allele CA5168870.